The following is an entry in ClinVar:

NM_005188.4(CBL):c.1523G>C (p.Cys508Ser)

Gene: CBL (Cbl proto-oncogene; plus strand). Cytogenetic location: 11q23.3.
Variant type: single nucleotide variant.
Coding change: c.1523G>C on transcript NM_005188.4 (MANE Select); coding-DNA position 1523, G replaced by C.
Protein change: p.Cys508Ser; replaces cysteine 508 with serine.
Molecular consequence: missense variant.
Genome position (GRCh38, 1-based): chr11:119,285,060, G>C. VCF-style: chr11-119285060-G-C. GRCh37 (hg19) VCF-style: chr11-119155770-G-C.
Other names: short protein forms C508S.
Identifiers: ClinVar variation 1389483 (VCV001389483.6), dbSNP rs2135310108, ClinGen allele CA382918297.

ClinVar aggregate classification (germline): Uncertain significance (1 of 4 stars; one submission).

Conditions:
RASopathy. Also called: rasopathies; Noonan spectrum disorder. Identifiers: Orphanet 536391, MedGen C5555857, MONDO:0021060.

Submission:

Labcorp Genetics (formerly Invitae), Labcorp
Classification: Uncertain significance for RASopathy. Last evaluated: 2021-10-26. Review status: criteria provided, single submitter. Criteria: Invitae Variant Classification Sherloc (09022015). Collection method: clinical testing. Allele origin: germline.
Comment: In summary, the available evidence is currently insufficient to determine the role of this variant in disease. Therefore, it has been classified as a Variant of Uncertain Significance. Advanced modeling of protein sequence and biophysical properties (such as structural, functional, and spatial information, amino acid conservation, physicochemical variation, residue mobility, and thermodynamic stability) performed at Invitae indicates that this missense variant is not expected to disrupt CBL protein function. This variant has not been reported in the literature in individuals affected with CBL-related conditions. This variant is not present in population databases (ExAC no frequency). This sequence change replaces cysteine with serine at codon 508 of the CBL protein (p.Cys508Ser). The cysteine residue is weakly conserved and there is a moderate physicochemical difference between cysteine and serine.